The following is an entry in ClinVar:

ClinVar aggregate classification (germline): Uncertain significance (1 of 4 stars; one submission).

Allele frequency attached by ClinVar (database versions not stated): gnomAD exomes below 0.00001.
gnomAD v4.1: 1 of 1,614,218 alleles (0.000062%); highest among the groups gnomAD compares: Non-Finnish European, 0.000085%; no homozygotes.

Submission:

Ambry Genetics
Classification: Uncertain significance. Last evaluated: 2022-06-04. Review status: criteria provided, single submitter. Criteria: Ambry Variant Classification Scheme 2023. Collection method: clinical testing. Allele origin: germline.
Comment: The p.I120V variant (also known as c.358A>G), located in coding exon 6 of the NPAT gene, results from an A to G substitution at nucleotide position 358. The isoleucine at codon 120 is replaced by valine, an amino acid with highly similar properties. This amino acid position is conserved. In addition, this alteration is predicted to be tolerated by in silico analysis. Since supporting evidence is limited at this time, the clinical significance of this alteration remains unclear.

NM_002519.3(NPAT):c.358A>G (p.Ile120Val)

Gene: NPAT (nuclear protein, coactivator of histone transcription; minus strand). Cytogenetic location: 11q22.3.
Variant type: single nucleotide variant.
Coding change: c.358A>G on transcript NM_002519.3 (MANE Select); coding-DNA position 358, A replaced by G.
Protein change: p.Ile120Val; replaces isoleucine 120 with valine.
Molecular consequence: missense variant.
Genome position (GRCh38, 1-based): chr11:108,189,304, T>C on the plus strand (A>G on the coding strand, the complement: NPAT is on the minus strand). VCF-style: chr11-108189304-T-C. GRCh37 (hg19) VCF-style: chr11-108060031-T-C.
Other names: c.358A>G, p.Ile120Val (NM_001321307.1); short protein forms I120V.
Identifiers: ClinVar variation 1732972 (VCV001732972.2), dbSNP rs2496745922, ClinGen allele CA382525386.
Genomic context (GRCh38, chr11:108,189,304, plus strand): 5'-AAGTGAGCAACTCTGCACTGGCTGGAGCTGTTTGAGATGCAAGCTTTCTCTGCCGTTTGA[T>C]TTCTGCAATTCCAGTTCTCGTTCGGGCTGAAACATATAAGCATTTAAAAAACAAATTCAA-3'
Protein context (NP_002510.2, residues 110-130): RARTRTGIAE[Ile120Val]KRQRKLASQT